The following is an entry in ClinVar:

ClinVar aggregate classification (germline): Uncertain significance (1 of 4 stars; one submission).

Submission:

Labcorp Genetics (formerly Invitae), Labcorp
Classification: Uncertain significance. Last evaluated: 2022-02-24. Review status: criteria provided, single submitter. Criteria: Invitae Variant Classification Sherloc (09022015). Collection method: clinical testing. Allele origin: germline.
Comment: This variant has not been reported in the literature in individuals affected with THBD-related conditions. Algorithms developed to predict the effect of missense changes on protein structure and function (SIFT, PolyPhen-2, Align-GVGD) all suggest that this variant is likely to be tolerated. In summary, the available evidence is currently insufficient to determine the role of this variant in disease. Therefore, it has been classified as a Variant of Uncertain Significance. This sequence change replaces alanine, which is neutral and non-polar, with valine, which is neutral and non-polar, at codon 546 of the THBD protein (p.Ala546Val). This variant is not present in population databases (gnomAD no frequency).

NM_000361.3(THBD):c.1637C>T (p.Ala546Val)

Gene: THBD (thrombomodulin; minus strand). Cytogenetic location: 20p11.21.
Variant type: single nucleotide variant.
Coding change: c.1637C>T on transcript NM_000361.3 (MANE Select); coding-DNA position 1637, C replaced by T.
Protein change: p.Ala546Val; replaces alanine 546 with valine.
Molecular consequence: missense variant.
Genome position (GRCh38, 1-based): chr20:23,047,868, G>A on the plus strand (C>T on the coding strand, the complement: THBD is on the minus strand). VCF-style: chr20-23047868-G-A. GRCh37 (hg19) VCF-style: chr20-23028505-G-A.
Other names: short protein forms A546V.
Identifiers: ClinVar variation 1978463 (VCV001978463.4), dbSNP rs775722470, ClinGen allele CA408405124.